The following is an entry in ClinVar:

ClinVar aggregate classification (germline): Uncertain significance (1 of 4 stars; one submission).

Conditions:
Hereditary cancer-predisposing syndrome. Also called: Neoplastic Syndromes, Hereditary; Tumor predisposition; Hereditary Cancer Syndrome; Hereditary neoplastic syndrome. Identifiers: Orphanet 140162, MedGen C0027672, MeSH D009386, MONDO:0015356.

Submission:

Ambry Genetics
Classification: Uncertain significance for Hereditary cancer-predisposing syndrome. Last evaluated: 2026-06-13. Review status: criteria provided, single submitter. Criteria: Ambry Variant Classification Scheme 2023. Collection method: clinical testing. Allele origin: germline.
Comment: The p.I1853M variant (also known as c.5559C>G), located in coding exon 41 of the POLE gene, results from a C to G substitution at nucleotide position 5559. The isoleucine at codon 1853 is replaced by methionine, an amino acid with highly similar properties. This amino acid position is conserved. In addition, this alteration is predicted to be tolerated by in silico analysis. Based on the available evidence, the clinical significance of this variant remains unclear.

NM_006231.4(POLE):c.5559C>G (p.Ile1853Met)

Gene: POLE (DNA polymerase epsilon, catalytic subunit; minus strand). Cytogenetic location: 12q24.33.
Variant type: single nucleotide variant.
Coding change: c.5559C>G on transcript NM_006231.4 (MANE Select); coding-DNA position 5559, C replaced by G.
Protein change: p.Ile1853Met; replaces isoleucine 1853 with methionine.
Molecular consequence: missense variant.
Genome position (GRCh38, 1-based): chr12:132,638,133, G>C on the plus strand (C>G on the coding strand, the complement: POLE is on the minus strand). VCF-style: chr12-132638133-G-C. GRCh37 (hg19) VCF-style: chr12-133214719-G-C.
Other names: short protein forms I1853M.
Identifiers: ClinVar variation 4862347 (VCV004862347.1).